The following is an entry in ClinVar:

ClinVar aggregate classification (germline): Conflicting classifications of pathogenicity. Review status: criteria provided, conflicting classifications (1 of 4 stars). 3 submissions from 3 submitters: Likely pathogenic (1); Uncertain significance (2). Last evaluated 2026-03-27.

Conditions:
Hereditary cancer-predisposing syndrome. Also called: Tumor predisposition; Hereditary Cancer Syndrome; Neoplastic Syndromes, Hereditary; Hereditary neoplastic syndrome. Identifiers: Orphanet 140162, MedGen C0027672, MeSH D009386, MONDO:0015356.
BAP1-related tumor predisposition syndrome (TPDS1). Also called: Tumor susceptibility linked to germline BAP1 mutations; BAP1 tumor predisposition syndrome; COMMON Syndrome; TUMOR PREDISPOSITION SYNDROME 1. Identifiers: Orphanet 289539, MedGen C3280492, MONDO:0013692, OMIM 614327.

Submissions (3):

Ambry Genetics
Classification: Likely pathogenic for Hereditary cancer-predisposing syndrome. Last evaluated: 2026-03-27. Review status: criteria provided, single submitter. Criteria: Ambry Variant Classification Scheme 2023. Collection method: clinical testing. Allele origin: germline.
Comment: The p.R213P variant (also known as c.638G>C), located in coding exon 8 of the BAP1 gene, results from a G to C substitution at nucleotide position 638. The arginine at codon 213 is replaced by proline, an amino acid with dissimilar properties. This variant was reported in individual(s) with features consistent with BAP1-related tumor predisposition syndrome (Louw A et al. Am J Dermatopathol, 2020 Nov;42:872-875; Ambry internal data). This alteration was non-functional in a high throughput genome editing haploid cell survival functional assay (Waters AJ et al. Nat Genet, 2024 Jul;56:1434-1445). This amino acid position is highly conserved in available vertebrate species. In addition, this alteration is predicted to be deleterious by in silico analysis. This variant is considered to be rare based on population cohorts in the Genome Aggregation Database (gnomAD). Based on the majority of available evidence to date, this variant is likely to be pathogenic.

Sema4
Classification: Uncertain significance for Hereditary cancer-predisposing syndrome. Last evaluated: 2022-01-18. Review status: criteria provided, single submitter. Criteria: Sema4 Curation Guidelines. Collection method: curation. Allele origin: germline.
Comment: The BAP1 c.638G>C (p.R213P) variant has been reported in heterozygosity in at least one individual with malignant mesothelioma and multiple skin lesions of varying cellular composition (PMID: 32649346). This variant is not reported in the population database Genome Aggregation Database (PMID: 32461654), but has been reported in ClinVar (Variation ID: 655445). In silico tools suggest the impact of the variant on protein function is deleterious, though these predictions have not been confirmed by functional studies. Based on the current evidence available, this variant is interpreted as a variant of uncertain significance.

Labcorp Genetics (formerly Invitae), Labcorp
Classification: Uncertain significance for BAP1-related tumor predisposition syndrome. Last evaluated: 2018-09-30. Review status: criteria provided, single submitter. Criteria: Invitae Variant Classification Sherloc (09022015). Collection method: clinical testing. Allele origin: germline.
Comment: In summary, the available evidence is currently insufficient to determine the role of this variant in disease. Therefore, it has been classified as a Variant of Uncertain Significance. Algorithms developed to predict the effect of missense changes on protein structure and function (SIFT, PolyPhen-2, Align-GVGD) all suggest that this variant is likely to be disruptive, but these predictions have not been confirmed by published functional studies and their clinical significance is uncertain. This variant is not present in population databases (ExAC no frequency). This sequence change replaces arginine with proline at codon 213 of the BAP1 protein (p.Arg213Pro). The arginine residue is highly conserved and there is a moderate physicochemical difference between arginine and proline. This variant has not been reported in the literature in individuals with BAP1-related disease.

Literature cited by the submitters: PubMed 32649346 (cited by Ambry Genetics and Sema4); PubMed 38969833 (cited by Ambry Genetics).

NM_004656.4(BAP1):c.638G>C (p.Arg213Pro)

Gene: BAP1 (BRCA1 associated deubiquitinase 1; minus strand). Cytogenetic location: 3p21.1.
Variant type: single nucleotide variant.
Coding change: c.638G>C on transcript NM_004656.4 (MANE Select); coding-DNA position 638, G replaced by C.
Protein change: p.Arg213Pro; replaces arginine 213 with proline.
Molecular consequence: missense variant.
Genome position (GRCh38, 1-based): chr3:52,406,850, C>G on the plus strand (G>C on the coding strand, the complement: BAP1 is on the minus strand). VCF-style: chr3-52406850-C-G. GRCh37 (hg19) VCF-style: chr3-52440866-C-G.
Other names: short protein forms R213P.
Identifiers: ClinVar variation 655445 (VCV000655445.8), dbSNP rs1220529268, ClinGen allele CA353108851.
Genomic context (GRCh38, chr3:52,406,850, plus strand): 5'-GCTCCAGAGAGTAGAACAGGGCAGGCACAGGGCCCTTACCCTGCAGTGGCGAGGCCGATA[C>G]GCTCCATGATGACCCGCCGGGCCTTGTCTGTCCACTCCTCGTCCTCCCCCCAGGGCCCTA-3'
Protein context (NP_004647.1, residues 203-223): TDKARRVIME[Arg213Pro]IGLATAGEPY